The following is an entry in ClinVar:

NM_020680.4(SCYL1):c.577A>C (p.Ser193Arg)

Gene: SCYL1 (SCY1 like pseudokinase 1; plus strand). Cytogenetic location: 11q13.1.
Variant type: single nucleotide variant.
Coding change: c.577A>C on transcript NM_020680.4 (MANE Select); coding-DNA position 577, A replaced by C.
Protein change: p.Ser193Arg; replaces serine 193 with arginine.
Molecular consequence: missense variant.
Genome position (GRCh38, 1-based): chr11:65,526,325, A>C. VCF-style: chr11-65526325-A-C. GRCh37 (hg19) VCF-style: chr11-65293796-A-C.
Other names: c.577A>C, p.Ser193Arg (NM_001048218.2, NM_001411022.1); c.577A>C (NM_020680.3); short protein forms S193R.
Identifiers: ClinVar variation 2902095 (VCV002902095.4), dbSNP rs745499930, ClinGen allele CA6099532.

ClinVar aggregate classification (germline): Uncertain significance. Review status: criteria provided, multiple submitters, no conflicts (2 of 4 stars). 2 submissions from 2 submitters: Uncertain significance (2). Last evaluated 2026-08-07.

Conditions:
SCYL1-related disorder. Also called: SCYL1-related condition.

Allele frequency attached by ClinVar (database versions not stated): gnomAD 0.00001; gnomAD exomes 0.00003; ExAC 0.00004; TOPMed 0.00006.

Submissions (2):

PreventionGenetics, part of Exact Sciences
Classification: Uncertain significance for SCYL1-related condition. Last evaluated: 2026-08-07. Review status: criteria provided, single submitter. Criteria: ACMG Guidelines, 2015. Collection method: clinical testing. Allele origin: germline.
Comment: The SCYL1 c.577A>C variant is predicted to result in the amino acid substitution p.Ser193Arg. To our knowledge, this variant has not been reported in the literature. This variant is reported in 0.044% of alleles in individuals of Latino descent in gnomAD. At this time, the clinical significance of this variant is uncertain due to the absence of conclusive functional and genetic evidence.

Labcorp Genetics (formerly Invitae), Labcorp
Classification: Uncertain significance. Last evaluated: 2022-10-23. Review status: criteria provided, single submitter. Criteria: Invitae Variant Classification Sherloc (09022015). Collection method: clinical testing. Allele origin: germline.
Comment: In summary, the available evidence is currently insufficient to determine the role of this variant in disease. Therefore, it has been classified as a Variant of Uncertain Significance. Algorithms developed to predict the effect of missense changes on protein structure and function are either unavailable or do not agree on the potential impact of this missense change (SIFT: "Deleterious"; PolyPhen-2: "Benign"; Align-GVGD: "Class C0"). This variant has not been reported in the literature in individuals affected with SCYL1-related conditions. This variant is present in population databases (rs745499930, gnomAD 0.04%). This sequence change replaces serine, which is neutral and polar, with arginine, which is basic and polar, at codon 193 of the SCYL1 protein (p.Ser193Arg).